The following is an entry in ClinVar:

ClinVar aggregate classification (germline): Uncertain significance (1 of 4 stars; one submission).

Submission:

GeneDx
Classification: Uncertain significance. Last evaluated: 2023-06-14. Review status: criteria provided, single submitter. Criteria: GeneDx Variant Classification Process June 2021. Collection method: clinical testing. Allele origin: germline. Affected: yes.
Comment: Not observed at significant frequency in large population cohorts (gnomAD); In-frame deletion of 1 amino acid in a non-repeat region; In silico analysis supports a deleterious effect on protein structure/function; Has not been previously published as pathogenic or benign to our knowledge

NM_001080517.3(SETD5):c.2369AAG[1] (p.Glu791del)

Gene: SETD5 (SET domain containing 5; plus strand). Cytogenetic location: 3p25.3.
Variant type: Microsatellite.
Coding change: c.2369AAG[1] on transcript NM_001080517.3 (MANE Select); one copy of the 3-base unit AAG starting at c.2369; the reference has two copies in a row; one copy, 3 bases deleted.
Protein change: p.Glu791del; deletes glutamic acid 791.
Genome position (GRCh38, 1-based): chr3:9,453,764-9,453,766, AAG deleted; deleting any 3 consecutive bases within chr3:9,453,759-9,453,766 gives the same sequence; the position shown is the placement nearest the transcript's 3' end. VCF-style (leftmost placement, unchanged base first): chr3-9453758-TAGA-T. GRCh37 (hg19) VCF-style: chr3-9495442-TAGA-T.
Other names: c.2075AAG[1], p.Glu693del (NM_001292043.2, NM_001349451.2); short protein forms E693del, E791del.
Identifiers: ClinVar variation 3359591 (VCV003359591.1).